The following is an entry in ClinVar:

ClinVar aggregate classification (germline): Uncertain significance (1 of 4 stars; one submission).

Conditions:
Nemaline myopathy 10 (NEM10). Identifiers: MedGen C4015360, MONDO:0014513, OMIM 616165.

Allele frequency attached by ClinVar (database versions not stated): gnomAD exomes below 0.00001.

Submission:

Labcorp Genetics (formerly Invitae), Labcorp
Classification: Uncertain significance for Nemaline myopathy 10. Last evaluated: 2022-07-26. Review status: criteria provided, single submitter. Criteria: Invitae Variant Classification Sherloc (09022015). Collection method: clinical testing. Allele origin: germline.
Comment: This variant has not been reported in the literature in individuals affected with LMOD3-related conditions. In summary, the available evidence is currently insufficient to determine the role of this variant in disease. Therefore, it has been classified as a Variant of Uncertain Significance. Algorithms developed to predict the effect of missense changes on protein structure and function (SIFT, PolyPhen-2, Align-GVGD) all suggest that this variant is likely to be disruptive. ClinVar contains an entry for this variant (Variation ID: 948845). This variant is not present in population databases (gnomAD no frequency). This sequence change replaces glutamine, which is neutral and polar, with arginine, which is basic and polar, at codon 399 of the LMOD3 protein (p.Gln399Arg).

NM_198271.5(LMOD3):c.1196A>G (p.Gln399Arg)

Gene: LMOD3 (leiomodin 3; minus strand). Cytogenetic location: 3p14.1.
Variant type: single nucleotide variant.
Coding change: c.1196A>G on transcript NM_198271.5 (MANE Select); coding-DNA position 1196, A replaced by G.
Protein change: p.Gln399Arg; replaces glutamine 399 with arginine.
Molecular consequence: missense variant.
Genome position (GRCh38, 1-based): chr3:69,119,159, T>C on the plus strand (A>G on the coding strand, the complement: LMOD3 is on the minus strand). VCF-style: chr3-69119159-T-C. GRCh37 (hg19) VCF-style: chr3-69168310-T-C.
Other names: c.1196A>G, p.Gln399Arg (NM_001304418.3); short protein forms Q399R.
Identifiers: ClinVar variation 948845 (VCV000948845.6), dbSNP rs2092392939, ClinGen allele CA353472388.